The following is an entry in ClinVar:

NM_002528.7(NTHL1):c.134G>A (p.Ser45Asn)

Gene: NTHL1 (nth like DNA glycosylase 1; minus strand). Cytogenetic location: 16p13.3.
Variant type: single nucleotide variant.
Coding change: c.134G>A on transcript NM_002528.7 (MANE Select); coding-DNA position 134, G replaced by A.
Protein change: p.Ser45Asn; replaces serine 45 with asparagine.
Molecular consequence: missense variant. On other transcripts: 5 prime UTR variant (1).
Genome position (GRCh38, 1-based): chr16:2,046,348, C>T on the plus strand (G>A on the coding strand, the complement: NTHL1 is on the minus strand). VCF-style: chr16-2046348-C-T. GRCh37 (hg19) VCF-style: chr16-2096349-C-T.
Other names: c.158G>A (NM_002528.5); c.134G>A, p.Ser45Asn (NM_001318193.2); c.-45G>A (NM_001318194.2); short protein forms S45N.
Identifiers: ClinVar variation 2736486 (VCV002736486.4), dbSNP rs1567372419, ClinGen allele CA394298035.
Genomic context (GRCh38, chr16:2,046,348, plus strand): 5'-CTGTCCGAGCCCTCATAGGCCACACGCAGTCTCTGTGCTTTCCGCGGACGCTTCACGGGG[C>T]TGTGGCTTTTCCTCGCTTCTGCAAAAAGCACCACGCAGTCCCTCTGGTGGGGCCACAGGT-3'
Protein context (NP_002519.2, residues 35-55): EAAAEARKSH[Ser45Asn]PVKRPRKAQR

ClinVar aggregate classification (germline): Uncertain significance. Review status: criteria provided, multiple submitters, no conflicts (2 of 4 stars). 2 submissions from 2 submitters: Uncertain significance (2). Last evaluated 2024-09-08.

Conditions:
Hereditary cancer-predisposing syndrome. Also called: Tumor predisposition; Hereditary Cancer Syndrome; Neoplastic Syndromes, Hereditary; Hereditary neoplastic syndrome. Identifiers: Orphanet 140162, MedGen C0027672, MeSH D009386, MONDO:0015356.

Submissions (2):

Ambry Genetics
Classification: Uncertain significance for Hereditary cancer-predisposing syndrome. Last evaluated: 2024-09-08. Review status: criteria provided, single submitter. Criteria: Ambry Variant Classification Scheme 2023. Collection method: clinical testing. Allele origin: germline.
Comment: The p.S53N variant (also known as c.158G>A), located in coding exon 2 of the NTHL1 gene, results from a G to A substitution at nucleotide position 158. The serine at codon 53 is replaced by asparagine, an amino acid with highly similar properties. This amino acid position is conserved. In addition, this alteration is predicted to be tolerated by in silico analysis. Based on the available evidence, the clinical significance of this variant remains unclear.

Labcorp Genetics (formerly Invitae), Labcorp
Classification: Uncertain significance. Last evaluated: 2023-02-03. Review status: criteria provided, single submitter. Criteria: Invitae Variant Classification Sherloc (09022015). Collection method: clinical testing. Allele origin: germline.
Comment: This sequence change replaces serine, which is neutral and polar, with asparagine, which is neutral and polar, at codon 53 of the NTHL1 protein (p.Ser53Asn). In summary, the available evidence is currently insufficient to determine the role of this variant in disease. Therefore, it has been classified as a Variant of Uncertain Significance. An algorithm developed to predict the effect of missense changes on protein structure and function (PolyPhen-2) suggests that this variant is likely to be tolerated. This variant has not been reported in the literature in individuals affected with NTHL1-related conditions. This variant is not present in population databases (gnomAD no frequency).